The following is an entry in ClinVar:

ClinVar aggregate classification (germline): Uncertain significance. Review status: criteria provided, multiple submitters, no conflicts (2 of 4 stars). 3 submissions from 3 submitters: Uncertain significance (3). Last evaluated 2022-08-05.

Allele frequency attached by ClinVar (database versions not stated): TOPMed 0.00002.

Submissions (3):

Labcorp Genetics (formerly Invitae), Labcorp
Classification: Uncertain significance. Last evaluated: 2022-08-05. Review status: criteria provided, single submitter. Criteria: Invitae Variant Classification Sherloc (09022015). Collection method: clinical testing. Allele origin: germline.
Comment: In summary, the available evidence is currently insufficient to determine the role of this variant in disease. Therefore, it has been classified as a Variant of Uncertain Significance. Advanced modeling of protein sequence and biophysical properties (such as structural, functional, and spatial information, amino acid conservation, physicochemical variation, residue mobility, and thermodynamic stability) performed at Invitae indicates that this missense variant is expected to disrupt CNGB1 protein function. ClinVar contains an entry for this variant (Variation ID: 493185). This variant has not been reported in the literature in individuals affected with CNGB1-related conditions. This variant is present in population databases (rs761295014, gnomAD 0.006%). This sequence change replaces arginine, which is basic and polar, with histidine, which is basic and polar, at codon 834 of the CNGB1 protein (p.Arg834His).

Blueprint Genetics
Classification: Uncertain significance. Last evaluated: 2019-07-31. Review status: criteria provided, single submitter. Criteria: ACMG Guidelines, 2015. Collection method: clinical testing. Allele origin: germline.

CeGaT Center for Human Genetics Tuebingen
Classification: Uncertain significance. Last evaluated: 2017-07-01. Review status: criteria provided, single submitter. Criteria: CeGaT Center For Human Genetics Tuebingen Variant Classification Criteria Version 2. Collection method: clinical testing. Allele origin: germline. Affected: yes. Observed: 1 variant allele.

NM_001297.5(CNGB1):c.2501G>A (p.Arg834His)

Gene: CNGB1 (cyclic nucleotide gated channel subunit beta 1; minus strand). Cytogenetic location: 16q21.
Variant type: single nucleotide variant.
Coding change: c.2501G>A on transcript NM_001297.5 (MANE Select); coding-DNA position 2501, G replaced by A.
Protein change: p.Arg834His; replaces arginine 834 with histidine.
Molecular consequence: missense variant.
Genome position (GRCh38, 1-based): chr16:57,904,867, C>T on the plus strand (G>A on the coding strand, the complement: CNGB1 is on the minus strand). VCF-style: chr16-57904867-C-T. GRCh37 (hg19) VCF-style: chr16-57938771-C-T.
Other names: c.2483G>A, p.Arg828His (NM_001286130.2); short protein forms R834H, R828H.
Identifiers: ClinVar variation 493185 (VCV000493185.49), dbSNP rs761295014, ClinGen allele CA8082952.